The following is an entry in ClinVar:

NM_000399.5(EGR2):c.1090C>T (p.His364Tyr)

Gene: EGR2 (early growth response 2; minus strand). Cytogenetic location: 10q21.3.
Variant type: single nucleotide variant.
Coding change: c.1090C>T on transcript NM_000399.5 (MANE Select); coding-DNA position 1090, C replaced by T.
Protein change: p.His364Tyr; replaces histidine 364 with tyrosine.
Molecular consequence: missense variant.
Genome position (GRCh38, 1-based): chr10:62,813,548, G>A on the plus strand (C>T on the coding strand, the complement: EGR2 is on the minus strand). VCF-style: chr10-62813548-G-A. GRCh37 (hg19) VCF-style: chr10-64573308-G-A.
Other names: c.1090C>T, p.His364Tyr (NM_001136178.2, NM_001136177.3); c.940C>T, p.His314Tyr (NM_001136179.3, NM_001321037.2); short protein forms H314Y, H364Y.
Identifiers: ClinVar variation 1357845 (VCV001357845.8), dbSNP rs1842170880, ClinGen allele CA377027781.

ClinVar aggregate classification (germline): Uncertain significance (1 of 4 stars; one submission).

Conditions:
Charcot-Marie-Tooth disease, type I (CMT1). Also called: Charcot-Marie-Tooth disease type 1; Charcot-Marie-Tooth, Type 1. Identifiers: Orphanet 65753, MedGen C0751036, MONDO:0019011.

Submission:

Labcorp Genetics (formerly Invitae), Labcorp
Classification: Uncertain significance for Charcot-Marie-Tooth disease, type I. Last evaluated: 2023-12-21. Review status: criteria provided, single submitter. Criteria: Invitae Variant Classification Sherloc (09022015). Collection method: clinical testing. Allele origin: germline.
Comment: This sequence change replaces histidine, which is basic and polar, with tyrosine, which is neutral and polar, at codon 364 of the EGR2 protein (p.His364Tyr). This variant is not present in population databases (gnomAD no frequency). This variant has not been reported in the literature in individuals affected with EGR2-related conditions. ClinVar contains an entry for this variant (Variation ID: 1357845). Advanced modeling of protein sequence and biophysical properties (such as structural, functional, and spatial information, amino acid conservation, physicochemical variation, residue mobility, and thermodynamic stability) performed at Invitae indicates that this missense variant is expected to disrupt EGR2 protein function with a positive predictive value of 80%. In summary, the available evidence is currently insufficient to determine the role of this variant in disease. Therefore, it has been classified as a Variant of Uncertain Significance.